The following is an entry in ClinVar:

ClinVar aggregate classification (germline): Pathogenic (1 of 4 stars; one submission).

Conditions:
Pyridoxal phosphate-responsive seizures (PNPOD). Also called: EPILEPTIC ENCEPHALOPATHY, NEONATAL, PNPO-RELATED; SEIZURES, PYRIDOXINE-RESISTANT, PLP-SENSITIVE; Pyridoxamine 5-Prime-Phosphate Oxidase Deficiency; Pyridoxine-5'-phosphate oxidase deficiency; Pyridoxal 5'-Phosphate (PLP)-Dependent Epilepsy. Identifiers: Orphanet 79096, MedGen C1864723, MONDO:0012407, OMIM 610090. Disease mechanism: loss of function.

Submission:

Labcorp Genetics (formerly Invitae), Labcorp
Classification: Pathogenic for Pyridoxal phosphate-responsive seizures. Last evaluated: 2022-06-14. Review status: criteria provided, single submitter. Criteria: Invitae Variant Classification Sherloc (09022015). Collection method: clinical testing. Allele origin: germline.
Comment: For these reasons, this variant has been classified as Pathogenic. This variant has not been reported in the literature in individuals affected with PNPO-related conditions. A gross deletion of the genomic region encompassing the full coding sequence of the PNPO gene has been identified. Loss-of-function variants in PNPO are known to be pathogenic (PMID: 15772097, 24645144). The boundaries of this event are unknown as they extend beyond the assayed region for this gene and therefore may encompass additional genes.

Literature cited by the submitters: PubMed 15772097; PubMed 24645144.

NC_000017.10:g.(?_46019042)_(46024148_?)del

Gene: PNPO (pyridoxamine 5'-phosphate oxidase; plus strand). Cytogenetic location: 17q21.32.
Variant type: Deletion.
Identifiers: ClinVar variation 2426449 (VCV002426449.3).